The following is an entry in ClinVar:

NM_001035.3(RYR2):c.639C>A (p.Ser213Arg)

Gene: RYR2 (ryanodine receptor 2; plus strand). Cytogenetic location: 1q43.
Variant type: single nucleotide variant.
Coding change: c.639C>A on transcript NM_001035.3 (MANE Select); coding-DNA position 639, C replaced by A.
Protein change: p.Ser213Arg; replaces serine 213 with arginine.
Molecular consequence: missense variant.
Genome position (GRCh38, 1-based): chr1:237,387,343, C>A. VCF-style: chr1-237387343-C-A. GRCh37 (hg19) VCF-style: chr1-237550643-C-A.
Other names: short protein forms S213R.
Identifiers: ClinVar variation 1172322 (VCV001172322.6), dbSNP rs375180398, ClinGen allele CA345377435.

ClinVar aggregate classification (germline): Uncertain significance. Review status: criteria provided, multiple submitters, no conflicts (2 of 4 stars). 2 submissions from 2 submitters: Uncertain significance (2). Last evaluated 2024-03-06.

Conditions:
Cardiomyopathy (CMYO). Also called: Cardiomyopathies. Identifiers: Orphanet 167848, MedGen C0878544, MONDO:0004994, HP:0001638. Inheritance: Various modes of inheritance.
Catecholaminergic polymorphic ventricular tachycardia 1. Also called: VENTRICULAR TACHYCARDIA, STRESS-INDUCED POLYMORPHIC 1; VENTRICULAR TACHYCARDIA, CATECHOLAMINERGIC POLYMORPHIC, 1, WITH OR WITHOUT ATRIAL DYSFUNCTION AND/OR DILATED CARDIOMYOPATHY; RYR2-Related Catecholaminergic Polymorphic Ventricular Tachycardia. Identifiers: Orphanet 3286, MedGen C1631597, MONDO:0011484, OMIM 604772.

gnomAD v4.1: 4 of 1,613,964 alleles (0.00025%); highest among the groups gnomAD compares: Non-Finnish European, 0.00034%; no homozygotes.

Submissions (2):

Color Diagnostics, LLC DBA Color Health
Classification: Uncertain significance for Cardiomyopathy. Last evaluated: 2024-03-06. Review status: criteria provided, single submitter. Criteria: ACMG Guidelines, 2015. Collection method: clinical testing. Allele origin: germline.
Comment: This missense variant replaces serine with arginine at codon 213 of the RYR2 protein. Computational prediction suggests that this variant may have deleterious impact on protein structure and function (internally defined REVEL score threshold >= 0.7, PMID: 27666373). To our knowledge, functional studies have not been reported for this variant. This variant has not been reported in individuals affected with cardiovascular disorders in the literature. This variant has not been identified in the general population by the Genome Aggregation Database (gnomAD). The available evidence is insufficient to determine the role of this variant in disease conclusively. Therefore, this variant is classified as a Variant of Uncertain Significance.

Labcorp Genetics (formerly Invitae), Labcorp
Classification: Uncertain significance for Catecholaminergic polymorphic ventricular tachycardia 1. Last evaluated: 2023-06-06. Review status: criteria provided, single submitter. Criteria: Invitae Variant Classification Sherloc (09022015). Collection method: clinical testing. Allele origin: germline.
Comment: In summary, the available evidence is currently insufficient to determine the role of this variant in disease. Therefore, it has been classified as a Variant of Uncertain Significance. Advanced modeling of protein sequence and biophysical properties (such as structural, functional, and spatial information, amino acid conservation, physicochemical variation, residue mobility, and thermodynamic stability) has been performed at Invitae for this missense variant, however the output from this modeling did not meet the statistical confidence thresholds required to predict the impact of this variant on RYR2 protein function. This variant has not been reported in the literature in individuals affected with RYR2-related conditions. This variant is not present in population databases (gnomAD no frequency). This sequence change replaces serine, which is neutral and polar, with arginine, which is basic and polar, at codon 213 of the RYR2 protein (p.Ser213Arg). ClinVar contains an entry for this variant (Variation ID: 1172322).